The following is an entry in ClinVar:

ClinVar aggregate classification (germline): Benign/Likely benign. Review status: criteria provided, multiple submitters, no conflicts (2 of 4 stars). 3 submissions from 3 submitters: Benign (1); Likely benign (2). Last evaluated 2022-11-01.

Conditions:
Pancreatic cancer, susceptibility to, 1. Identifiers: Orphanet 1333, MedGen C1847351, MONDO:0011739, OMIM 606856.

Allele frequency attached by ClinVar (database versions not stated): TOPMed 0.00009; gnomAD 0.00011; gnomAD exomes 0.00012 and 0.00021; ESP Exome Variant Server 0.00023; ExAC 0.00025.
gnomAD v4.1: 190 of 1,613,998 alleles (0.012%); highest among the groups gnomAD compares: South Asian, 0.038%; no homozygotes.

Submissions (3):

CeGaT Center for Human Genetics Tuebingen
Classification: Likely benign. Last evaluated: 2022-11-01. Review status: criteria provided, single submitter. Criteria: CeGaT Center For Human Genetics Tuebingen Variant Classification Criteria Version 2. Collection method: clinical testing. Allele origin: germline. Affected: yes. Observed: 2 variant alleles.
Comment: PALLD: BP4, BP7

Ambry Genetics
Classification: Likely benign. Last evaluated: 2022-02-15. Review status: criteria provided, single submitter. Criteria: Ambry Variant Classification Scheme 2023. Collection method: clinical testing. Allele origin: germline.

Illumina Laboratory Services, Illumina
Classification: Benign for Pancreatic cancer, susceptibility to, 1. Last evaluated: 2018-01-13. Review status: criteria provided, single submitter. Criteria: ICSL Variant Classification Criteria 13 December 2019. Collection method: clinical testing. Allele origin: germline.
Comment: This variant was observed in the ICSL laboratory as part of a predisposition screen in an ostensibly healthy population. It had not been previously curated by ICSL or reported in the Human Gene Mutation Database (HGMD: prior to June 1st, 2018), and was therefore a candidate for classification through an automated scoring system. Utilizing variant allele frequency, disease prevalence and penetrance estimates, and inheritance mode, an automated score was calculated to assess if this variant is too frequent to cause the disease. Based on the score and internal cut-off values, a variant classified as benign is not then subjected to further curation. The score for this variant resulted in a classification of benign for this disease.

NM_001166108.2(PALLD):c.195G>A (p.Ser65=)

Gene: PALLD (palladin, cytoskeletal associated protein; plus strand). Cytogenetic location: 4q32.3.
Variant type: single nucleotide variant.
Coding change: c.195G>A on transcript NM_001166108.2 (MANE Select); coding-DNA position 195, G replaced by A.
Protein change: p.Ser65=; no amino-acid change (serine 65 retained).
Molecular consequence: synonymous variant.
Genome position (GRCh38, 1-based): chr4:168,511,699, G>A. VCF-style: chr4-168511699-G-A. GRCh37 (hg19) VCF-style: chr4-169432850-G-A.
Other names: c.195G>A, p.Ser65= (NM_016081.4).
Identifiers: ClinVar variation 902928 (VCV000902928.30), dbSNP rs369178136, ClinGen allele CA3135314.